The following is an entry in ClinVar:

NM_018897.3(DNAH7):c.8754C>T (p.Leu2918=)

Gene: DNAH7 (dynein axonemal heavy chain 7; minus strand). Cytogenetic location: 2q32.3.
Variant type: single nucleotide variant.
Coding change: c.8754C>T on transcript NM_018897.3 (MANE Select); coding-DNA position 8754, C replaced by T.
Protein change: p.Leu2918=; no amino-acid change (leucine 2918 retained).
Molecular consequence: synonymous variant.
Genome position (GRCh38, 1-based): chr2:195,853,370, G>A on the plus strand (C>T on the coding strand, the complement: DNAH7 is on the minus strand). VCF-style: chr2-195853370-G-A. GRCh37 (hg19) VCF-style: chr2-196718094-G-A.
Identifiers: ClinVar variation 784458 (VCV000784458.20), dbSNP rs147463217, ClinGen allele CA2034564.

ClinVar aggregate classification (germline): Benign. Review status: criteria provided, multiple submitters, no conflicts (2 of 4 stars). 4 submissions from 4 submitters: Benign (3). 1 of the submissions does not count toward it. Last evaluated 2026-06-01.

Conditions:
DNAH7-related disorder. Also called: DNAH7-related condition.

Allele frequency attached by ClinVar (database versions not stated): 1000 Genomes Project 0.00220; 1000 Genomes Project 30x 0.00281; gnomAD 0.00604 and 0.00624; TOPMed 0.00618; gnomAD exomes 0.00649; ExAC 0.00678; ESP Exome Variant Server 0.00758.
gnomAD v4.1: 14,456 of 1,613,970 alleles (0.9%); highest among the groups gnomAD compares: Non-Finnish European, 1.1%; 84 homozygotes.

Submissions (4):

CeGaT Center for Human Genetics Tuebingen
Classification: Benign. Last evaluated: 2026-06-01. Review status: criteria provided, single submitter. Criteria: CeGaT Center For Human Genetics Tuebingen Variant Classification Criteria Version 2. Collection method: clinical testing. Allele origin: germline. Affected: yes. Observed: 2 variant alleles.
Comment: DNAH7: BP4, BP7, BS1, BS2

Labcorp Genetics (formerly Invitae), Labcorp
Classification: Benign. Last evaluated: 2019-12-31. Review status: criteria provided, single submitter. Criteria: Invitae Variant Classification Sherloc (09022015). Collection method: clinical testing. Allele origin: germline.

Breakthrough Genomics
Classification: Benign. Review status: criteria provided, single submitter. Criteria: ACMG Guidelines, 2015. Collection method: not provided. Allele origin: germline. Inheritance: Unknown mechanism. Affected: yes.

PreventionGenetics, part of Exact Sciences
Classification: Benign for DNAH7-related condition. Last evaluated: 2019-06-11. Review status: no assertion criteria provided. Collection method: clinical testing. Allele origin: germline. Not counted in ClinVar's aggregate classification.
Comment: This variant is classified as benign based on ACMG/AMP sequence variant interpretation guidelines (Richards et al. 2015 PMID: 25741868, with internal and published modifications).